The following is an entry in ClinVar:

ClinVar aggregate classification (germline): Uncertain significance. Review status: criteria provided, multiple submitters, no conflicts (2 of 4 stars). 2 submissions from 2 submitters: Uncertain significance (2). Last evaluated 2025-12-01.

Conditions:
Hypertrophic cardiomyopathy. Also called: HYPERTROPHIC MYOCARDIOPATHY. Identifiers: Orphanet 217569, MedGen C0007194, MeSH D002312, MONDO:0005045, HP:0001639.
Cardiovascular phenotype. Identifiers: MedGen CN230736.

Submissions (2):

Ambry Genetics
Classification: Uncertain significance for Cardiovascular phenotype. Last evaluated: 2025-12-01. Review status: criteria provided, single submitter. Criteria: Ambry Variant Classification Scheme 2023. Collection method: clinical testing. Allele origin: germline.
Comment: The p.R22L variant (also known as c.65G>T), located in coding exon 3 of the TNNI3 gene, results from a G to T substitution at nucleotide position 65. The arginine at codon 22 is replaced by leucine, an amino acid with dissimilar properties. This amino acid position is conserved. In addition, this alteration is predicted to be tolerated by in silico analysis. Based on the available evidence, the clinical significance of this variant remains unclear.

Labcorp Genetics (formerly Invitae), Labcorp
Classification: Uncertain significance for Hypertrophic cardiomyopathy. Last evaluated: 2022-08-27. Review status: criteria provided, single submitter. Criteria: Invitae Variant Classification Sherloc (09022015). Collection method: clinical testing. Allele origin: germline.
Comment: ClinVar contains an entry for this variant (Variation ID: 524964). This variant has not been reported in the literature in individuals affected with TNNI3-related conditions. This variant is not present in population databases (gnomAD no frequency). This sequence change replaces arginine, which is basic and polar, with leucine, which is neutral and non-polar, at codon 22 of the TNNI3 protein (p.Arg22Leu). Algorithms developed to predict the effect of missense changes on protein structure and function are either unavailable or do not agree on the potential impact of this missense change (SIFT: "Deleterious"; PolyPhen-2: "Not Available"; Align-GVGD: "Class C0"). In summary, the available evidence is currently insufficient to determine the role of this variant in disease. Therefore, it has been classified as a Variant of Uncertain Significance.

NM_000363.5(TNNI3):c.65G>T (p.Arg22Leu)

Gene: TNNI3 (troponin I3, cardiac type; minus strand). Cytogenetic location: 19q13.42.
Variant type: single nucleotide variant.
Coding change: c.65G>T on transcript NM_000363.5 (MANE Select); coding-DNA position 65, G replaced by T.
Protein change: p.Arg22Leu; replaces arginine 22 with leucine.
Molecular consequence: missense variant.
Genome position (GRCh38, 1-based): chr19:55,157,093, C>A on the plus strand (G>T on the coding strand, the complement: TNNI3 is on the minus strand). VCF-style: chr19-55157093-C-A. GRCh37 (hg19) VCF-style: chr19-55668461-C-A.
Other names: c.65G>T (LRG_432t1); short protein forms R22L.
Identifiers: ClinVar variation 524964 (VCV000524964.9), dbSNP rs397516360, ClinGen allele CA407443073.